The following is an entry in ClinVar:

ClinVar aggregate classification (germline): Benign. Review status: criteria provided, multiple submitters, no conflicts (2 of 4 stars). 5 submissions from 5 submitters: Benign (4). 1 of the submissions does not count toward it. Last evaluated 2024-11-26.

Conditions:
DOCK3-related disorder. Also called: DOCK3-related condition.
Neurodevelopmental disorder with impaired intellectual development, hypotonia, and ataxia. Identifiers: MedGen C4749014, MONDO:0032661, OMIM 618292.

Allele frequency attached by ClinVar (database versions not stated): gnomAD exomes 0.99040; ExAC 0.99076; gnomAD 0.99127 and 0.99133; ESP Exome Variant Server 0.99131; TOPMed 0.99264; 1000 Genomes Project 0.99641; 1000 Genomes Project 30x 0.99688.
gnomAD v4.1: 1,592,316 of 1,612,360 alleles (99%); highest among the groups gnomAD compares: East Asian, 100%; 786,301 homozygotes.

Submissions (5):

Blueprint Genetics
Classification: Benign. Last evaluated: 2024-11-26. Review status: criteria provided, single submitter. Criteria: ACMG Guidelines, 2015. Collection method: clinical testing. Allele origin: germline.

Genome-Nilou Lab
Classification: Benign for Neurodevelopmental disorder with impaired intellectual development, hypotonia, and ataxia. Last evaluated: 2021-07-30. Review status: criteria provided, single submitter. Criteria: ACMG Guidelines, 2015. Collection method: clinical testing. Allele origin: germline. Affected: no.

GeneDx
Classification: Benign. Last evaluated: 2020-06-29. Review status: criteria provided, single submitter. Criteria: GeneDx Variant Classification Process June 2021. Collection method: clinical testing. Allele origin: germline. Affected: yes.

Breakthrough Genomics
Classification: Benign. Review status: criteria provided, single submitter. Criteria: ACMG Guidelines, 2015. Collection method: not provided. Allele origin: germline. Inheritance: Autosomal recessive inheritance. Affected: yes.

PreventionGenetics, part of Exact Sciences
Classification: Benign for DOCK3-related condition. Last evaluated: 2019-04-04. Review status: no assertion criteria provided. Collection method: clinical testing. Allele origin: germline. Not counted in ClinVar's aggregate classification.
Comment: This variant is classified as benign based on ACMG/AMP sequence variant interpretation guidelines (Richards et al. 2015 PMID: 25741868, with internal and published modifications).

NM_004947.5(DOCK3):c.1918-3T>C

Gene: DOCK3 (dedicator of cytokinesis 3; plus strand). Cytogenetic location: 3p21.2.
Variant type: single nucleotide variant.
Coding change: c.1918-3T>C on transcript NM_004947.5 (MANE Select); 3 bases into the intron before coding-DNA position 1918, T replaced by C.
Molecular consequence: intron variant.
Genome position (GRCh38, 1-based): chr3:51,236,342, T>C. VCF-style: chr3-51236342-T-C. GRCh37 (hg19) VCF-style: chr3-51273773-T-C.
Other names: c.1918-3T>C (NM_004947.4).
Identifiers: ClinVar variation 1251093 (VCV001251093.8), dbSNP rs1480361, ClinGen allele CA2421063.